The following is an entry in ClinVar:

ClinVar aggregate classification (germline): Uncertain significance (1 of 4 stars; one submission).

Submission:

Ambry Genetics
Classification: Uncertain significance. Last evaluated: 2024-12-28. Review status: criteria provided, single submitter. Criteria: Ambry Variant Classification Scheme 2023. Collection method: clinical testing. Allele origin: germline.
Comment: The p.T484S variant (also known as c.1450A>T), located in coding exon 10 of the RINT1 gene, results from an A to T substitution at nucleotide position 1450. The threonine at codon 484 is replaced by serine, an amino acid with similar properties. This amino acid position is conserved. In addition, this alteration is predicted to be tolerated by in silico analysis. Based on the available evidence, the clinical significance of this variant remains unclear.

NM_021930.6(RINT1):c.1450A>T (p.Thr484Ser)

Gene: RINT1 (RAD50 interactor 1; plus strand). Cytogenetic location: 7q22.3.
Variant type: single nucleotide variant.
Coding change: c.1450A>T on transcript NM_021930.6 (MANE Select); coding-DNA position 1450, A replaced by T.
Protein change: p.Thr484Ser; replaces threonine 484 with serine.
Molecular consequence: missense variant. On other transcripts: non-coding transcript variant (1).
Genome position (GRCh38, 1-based): chr7:105,551,686, A>T. VCF-style: chr7-105551686-A-T. GRCh37 (hg19) VCF-style: chr7-105192133-A-T.
Other names: c.1216A>T, p.Thr406Ser (NM_001346599.2); c.427A>T, p.Thr143Ser (NM_001346600.2, NM_001346603.2); c.526A>T, p.Thr176Ser (NM_001346601.2); short protein forms T176S, T406S, T484S, T143S.
Identifiers: ClinVar variation 3789214 (VCV003789214.1).
Genomic context (GRCh38, chr7:105,551,686, plus strand): 5'-TATAAGGATATCACTGACGTGGATGAAATGAAAGTTCCAGATTGTGCAGAAACTTTTATG[A>T]CTCTACTCTTGGTTATAACTGGTAAGTATGTCTTTTAAGATATGACTTTGTTTTAAAAGT-3'
Protein context (NP_068749.3, residues 474-494): KVPDCAETFM[Thr484Ser]LLLVITDRYK